The following is an entry in ClinVar:

ClinVar aggregate classification (germline): Uncertain significance. Review status: criteria provided, multiple submitters, no conflicts (2 of 4 stars). 2 submissions from 2 submitters: Uncertain significance (2). Last evaluated 2025-05-28.

Conditions:
Inborn genetic diseases. Identifiers: MedGen C0950123, MeSH D030342.
Tay-Sachs disease (TSD). Also called: HEXA DEFICIENCY; GM2 gangliosidosis, type 1; Hexosaminidase alpha-subunit deficiency (variant B); Sphingolipidosis, Tay-Sachs; Hexosaminidase A Deficiency; HEXA Disorders. Identifiers: Orphanet 845, MedGen C0039373, MONDO:0010100, OMIM 272800.

Submissions (2):

Ambry Genetics
Classification: Uncertain significance for Inborn genetic diseases. Last evaluated: 2025-05-28. Review status: criteria provided, single submitter. Criteria: Ambry Variant Classification Scheme 2023. Collection method: clinical testing. Allele origin: germline.

Labcorp Genetics (formerly Invitae), Labcorp
Classification: Uncertain significance for Tay-Sachs disease. Last evaluated: 2021-08-30. Review status: criteria provided, single submitter. Criteria: Invitae Variant Classification Sherloc (09022015). Collection method: clinical testing. Allele origin: germline.
Comment: This sequence change replaces lysine with glutamic acid at codon 148 of the HEXA protein (p.Lys148Glu). The lysine residue is weakly conserved and there is a small physicochemical difference between lysine and glutamic acid. This variant is not present in population databases (ExAC no frequency). This variant has not been reported in the literature in individuals affected with HEXA-related conditions. Algorithms developed to predict the effect of missense changes on protein structure and function (SIFT, PolyPhen-2, Align-GVGD) all suggest that this variant is likely to be tolerated. In summary, the available evidence is currently insufficient to determine the role of this variant in disease. Therefore, it has been classified as a Variant of Uncertain Significance.

NM_000520.6(HEXA):c.442A>G (p.Lys148Glu)

Gene: HEXA (hexosaminidase subunit alpha; minus strand). Cytogenetic location: 15q23.
Variant type: single nucleotide variant.
Coding change: c.442A>G on transcript NM_000520.6 (MANE Select); coding-DNA position 442, A replaced by G.
Protein change: p.Lys148Glu; replaces lysine 148 with glutamic acid.
Molecular consequence: missense variant. On other transcripts: non-coding transcript variant (1).
Genome position (GRCh38, 1-based): chr15:72,353,708, T>C on the plus strand (A>G on the coding strand, the complement: HEXA is on the minus strand). VCF-style: chr15-72353708-T-C. GRCh37 (hg19) VCF-style: chr15-72646049-T-C.
Other names: c.475A>G, p.Lys159Glu (NM_001318825.2); c.442A>G (NM_000520.4); short protein forms K148E, K159E.
Identifiers: ClinVar variation 1378719 (VCV001378719.4), dbSNP rs2140326779, ClinGen allele CA393065523.